The following is an entry in ClinVar:

ClinVar aggregate classification (germline): Uncertain significance (1 of 4 stars; one submission).

Submission:

Labcorp Genetics (formerly Invitae), Labcorp
Classification: Uncertain significance. Last evaluated: 2022-12-05. Review status: criteria provided, single submitter. Criteria: Invitae Variant Classification Sherloc (09022015). Collection method: clinical testing. Allele origin: germline.
Comment: In summary, the available evidence is currently insufficient to determine the role of this variant in disease. Therefore, it has been classified as a Variant of Uncertain Significance. Algorithms developed to predict the effect of missense changes on protein structure and function are either unavailable or do not agree on the potential impact of this missense change (SIFT: "Deleterious"; PolyPhen-2: "Not Available"; Align-GVGD: "Class C0"). This variant has not been reported in the literature in individuals affected with PCLO-related conditions. This variant is not present in population databases (gnomAD no frequency). This sequence change replaces threonine, which is neutral and polar, with alanine, which is neutral and non-polar, at codon 3569 of the PCLO protein (p.Thr3569Ala).

NM_033026.6(PCLO):c.10705A>G (p.Thr3569Ala)

Gene: PCLO (piccolo presynaptic cytomatrix protein; minus strand). Cytogenetic location: 7q21.11.
Variant type: single nucleotide variant.
Coding change: c.10705A>G on transcript NM_033026.6 (MANE Select); coding-DNA position 10705, A replaced by G.
Protein change: p.Thr3569Ala; replaces threonine 3569 with alanine.
Molecular consequence: missense variant.
Genome position (GRCh38, 1-based): chr7:82,949,883, T>C on the plus strand (A>G on the coding strand, the complement: PCLO is on the minus strand). VCF-style: chr7-82949883-T-C. GRCh37 (hg19) VCF-style: chr7-82579199-T-C.
Other names: c.10705A>G, p.Thr3569Ala (NM_014510.3); short protein forms T3569A.
Identifiers: ClinVar variation 2100250 (VCV002100250.4), dbSNP rs2535673285, ClinGen allele CA367902457.